The following is an entry in ClinVar:

NM_138576.4(BCL11B):c.1924_1947dup (p.Gly649_Ala650insCysGlyAspAlaGlyAlaGlyGly)

Gene: BCL11B (BCL11 transcription factor B; minus strand). Cytogenetic location: 14q32.2.
Variant type: Duplication.
Coding change: c.1924_1947dup on transcript NM_138576.4 (MANE Select); coding-DNA positions 1924 to 1947, 24 bases duplicated (TGCGGGGACGCGGGCGCGGGCGGC).
Protein change: p.Gly649_Ala650insCysGlyAspAlaGlyAlaGlyGly.
Molecular consequence: inframe insertion.
Genome position (GRCh38, 1-based): chr14:99,174,889-99,174,912, GCCGCCCGCGCCCGCGTCCCCGCA duplicated on the plus strand (TGCGGGGACGCGGGCGCGGGCGGC on the coding strand, the reverse complement: BCL11B is on the minus strand); duplicating any 24 consecutive bases within chr14:99,174,889-99,174,922 gives the same sequence; the c. name uses the placement nearest the transcript's 3' end. VCF-style (leftmost placement, unchanged base first): chr14-99174888-C-CGCCGCCCGCGCCCGCGTCCCCGCA. GRCh37 (hg19) VCF-style: chr14-99641225-C-CGCCGCCCGCGCCCGCGTCCCCGCA.
Other names: c.1921_1944dup, p.Gly648_Ala649insCysGlyAspAlaGlyAlaGlyGly (NM_001282237.2); c.1708_1731dup, p.Gly577_Ala578insCysGlyAspAlaGlyAlaGlyGly (NM_001282238.2); c.1711_1734dup, p.Gly578_Ala579insCysGlyAspAlaGlyAlaGlyGly (NM_022898.3).
Identifiers: ClinVar variation 4725285 (VCV004725285.1).

ClinVar aggregate classification (germline): Uncertain significance (1 of 4 stars; one submission).

Submission:

Labcorp Genetics (formerly Invitae), Labcorp
Classification: Uncertain significance. Last evaluated: 2025-08-22. Review status: criteria provided, single submitter. Criteria: Invitae Variant Classification Sherloc (09022015). Collection method: clinical testing. Allele origin: germline.
Comment: This variant, c.1924_1947dup, results in the insertion of 8 amino acid(s) of the BCL11B protein (p.Cys642_Gly649dup), but otherwise preserves the integrity of the reading frame. The frequency data for this variant in the population databases is considered unreliable, as metrics indicate insufficient coverage at this position in the gnomAD database. This variant has not been reported in the literature in individuals affected with BCL11B-related conditions. In summary, the available evidence is currently insufficient to determine the role of this variant in disease. Therefore, it has been classified as a Variant of Uncertain Significance.